The following is an entry in ClinVar:

ClinVar aggregate classification (germline): Uncertain significance (1 of 4 stars; one submission).

Conditions:
Hereditary spastic paraplegia 31. Also called: SPASTIC PARAPLEGIA 31, AUTOSOMAL DOMINANT. Identifiers: Orphanet 101011, MedGen C1853247, MONDO:0012453, OMIM 610250.

Submission:

Labcorp Genetics (formerly Invitae), Labcorp
Classification: Uncertain significance for Hereditary spastic paraplegia 31. Last evaluated: 2024-03-28. Review status: criteria provided, single submitter. Criteria: Invitae Variant Classification Sherloc (09022015). Collection method: clinical testing. Allele origin: germline.
Comment: This sequence change affects codon 198 of the REEP1 mRNA. It is a 'silent' change, meaning that it does not change the encoded amino acid sequence of the REEP1 protein. It affects a nucleotide within the consensus splice site. This variant is not present in population databases (gnomAD no frequency). This variant has not been reported in the literature in individuals affected with REEP1-related conditions. Algorithms developed to predict the effect of sequence changes on RNA splicing suggest that this variant is not likely to affect RNA splicing. In summary, the available evidence is currently insufficient to determine the role of this variant in disease. Therefore, it has been classified as a Variant of Uncertain Significance.

NM_001371279.1(REEP1):c.594A>T (p.Ser198=)

Gene: REEP1 (receptor accessory protein 1; minus strand). Cytogenetic location: 2p11.2.
Variant type: single nucleotide variant.
Coding change: c.594A>T on transcript NM_001371279.1 (MANE Select); coding-DNA position 594, A replaced by T.
Protein change: p.Ser198=; no amino-acid change (serine 198 retained).
Molecular consequence: synonymous variant. On other transcripts: missense variant (1), intron variant (1).
Genome position (GRCh38, 1-based): chr2:86,232,626, T>A on the plus strand (A>T on the coding strand, the complement: REEP1 is on the minus strand). VCF-style: chr2-86232626-T-A. GRCh37 (hg19) VCF-style: chr2-86459749-T-A.
Other names: c.615A>T, p.Ser205= (NM_001164730.2); c.513A>T, p.Ser171= (NM_001164731.2); c.359A>T, p.Gln120Leu (NM_001164732.2); c.594A>T, p.Ser198= (NM_001410855.1, NM_001410856.1, NM_022912.3); c.418-15516A>T (NM_001371280.1); short protein forms Q120L.
Identifiers: ClinVar variation 3647973 (VCV003647973.2).
Genomic context (GRCh38, chr2:86,232,626, plus strand): 5'-TCTCTCAATGAAAGCGAGGCCCAAGGAGTGGGAAAGAGGGGAAGTAAAGTGACACCTACC[T>A]GAGCTGCTAGCGCTCTCAGAAGCACTCCTGGACATCTTAGGCTGGCCGTGTTTGCCGCTG-3'
Protein context (NP_001358208.1, residues 188-208): SRSASESASS[Ser198=]VCTCCSTCRT